The following is an entry in ClinVar:

ClinVar aggregate classification (germline): Uncertain significance (1 of 4 stars; one submission).

Allele frequency attached by ClinVar (database versions not stated): gnomAD exomes below 0.00001; TOPMed 0.00002.
gnomAD v4.1: 1 of 1,614,242 alleles (0.000062%); highest among the groups gnomAD compares: Non-Finnish European, 0.000085%; no homozygotes.

Submission:

CeGaT Center for Human Genetics Tuebingen
Classification: Uncertain significance. Last evaluated: 2023-09-01. Review status: criteria provided, single submitter. Criteria: CeGaT Center For Human Genetics Tuebingen Variant Classification Criteria Version 2. Collection method: clinical testing. Allele origin: germline. Affected: yes. Observed: 1 variant allele.
Comment: FBN2: PM2

NM_001999.4(FBN2):c.697G>A (p.Val233Ile)

Gene: FBN2 (fibrillin 2; minus strand). Cytogenetic location: 5q23.3.
Variant type: single nucleotide variant.
Coding change: c.697G>A on transcript NM_001999.4 (MANE Select); coding-DNA position 697, G replaced by A.
Protein change: p.Val233Ile; replaces valine 233 with isoleucine.
Molecular consequence: missense variant.
Genome position (GRCh38, 1-based): chr5:128,464,853, C>T on the plus strand (G>A on the coding strand, the complement: FBN2 is on the minus strand). VCF-style: chr5-128464853-C-T. GRCh37 (hg19) VCF-style: chr5-127800546-C-T.
Other names: short protein forms V233I.
Identifiers: ClinVar variation 2655686 (VCV002655686.24), dbSNP rs937300909, ClinGen allele CA127045932.